The following is an entry in ClinVar:

ClinVar aggregate classification (germline): Uncertain significance (1 of 4 stars; one submission).

Conditions:
Gastrointestinal stromal tumor. Also called: Gastrointestinal stromal tumor, somatic; Gastrointestinal stroma tumor. Identifiers: Orphanet 44890, MedGen C0238198, MeSH D046152, MONDO:0011719, OMIM 606764, HP:0100723.
Pheochromocytoma/paraganglioma syndrome 3. Also called: GLOMUS TUMORS, FAMILIAL, 3; SDHC-Related Hereditary Paraganglioma-Pheochromocytoma Syndrome; Paragangliomas 3; SDHC-Related Hereditary Paraganglioma-Pheochromocytoma Syndrome (Paragangliomas 3). Identifiers: Orphanet 29072, MedGen C1854336, MONDO:0011544, OMIM 605373.

Submission:

Labcorp Genetics (formerly Invitae), Labcorp
Classification: Uncertain significance for Pheochromocytoma/paraganglioma syndrome 3; Gastrointestinal stromal tumor. Last evaluated: 2024-10-16. Review status: criteria provided, single submitter. Criteria: Invitae Variant Classification Sherloc (09022015). Collection method: clinical testing. Allele origin: germline.
Comment: This sequence change replaces alanine, which is neutral and non-polar, with glutamic acid, which is acidic and polar, at codon 66 of the SDHC protein (p.Ala66Glu). This variant is not present in population databases (gnomAD no frequency). This variant has not been reported in the literature in individuals affected with SDHC-related conditions. ClinVar contains an entry for this variant (Variation ID: 967642). An algorithm developed to predict the effect of missense changes on protein structure and function (PolyPhen-2) suggests that this variant is likely to be disruptive. In summary, the available evidence is currently insufficient to determine the role of this variant in disease. Therefore, it has been classified as a Variant of Uncertain Significance.

NM_003001.5(SDHC):c.197C>A (p.Ala66Glu)

Gene: SDHC (succinate dehydrogenase complex subunit C; plus strand). Cytogenetic location: 1q23.3.
Variant type: single nucleotide variant.
Coding change: c.197C>A on transcript NM_003001.5 (MANE Select); coding-DNA position 197, C replaced by A.
Protein change: p.Ala66Glu; replaces alanine 66 with glutamic acid.
Molecular consequence: missense variant.
Genome position (GRCh38, 1-based): chr1:161,340,611, C>A. VCF-style: chr1-161340611-C-A. GRCh37 (hg19) VCF-style: chr1-161310401-C-A.
Other names: c.197C>A, p.Ala66Glu (NM_001035511.3); c.95C>A, p.Ala32Glu (NM_001035512.3, NM_001278172.3, NM_001407118.1); c.38C>A, p.Ala13Glu (NM_001035513.3); c.317C>A, p.Ala106Glu (NM_001407115.1); c.140C>A, p.Ala47Glu (NM_001407116.1, NM_001407117.1, NM_001407121.1); c.86C>A, p.Ala29Glu (NM_001407119.1, NM_001407120.1); short protein forms A13E, A32E, A66E, A47E, A106E, A29E.
Identifiers: ClinVar variation 967642 (VCV000967642.11), dbSNP rs760572684, ClinGen allele CA343365767.